The following is an entry in ClinVar:

NM_012471.3(TRPC5):c.666T>C (p.Arg222=)

Gene: TRPC5 (transient receptor potential cation channel subfamily C member 5; minus strand). Cytogenetic location: Xq23.
Variant type: single nucleotide variant.
Coding change: c.666T>C on transcript NM_012471.3 (MANE Select); coding-DNA position 666, T replaced by C.
Protein change: p.Arg222=; no amino-acid change (arginine 222 retained).
Molecular consequence: synonymous variant.
Genome position (GRCh38, 1-based): chrX:111,912,525, A>G on the plus strand (T>C on the coding strand, the complement: TRPC5 is on the minus strand). VCF-style: chrX-111912525-A-G. GRCh37 (hg19) VCF-style: chrX-111155753-A-G.
Identifiers: ClinVar variation 3356942 (VCV003356942.1).

ClinVar aggregate classification (germline): Likely benign (0 of 4 stars; one submission).

Conditions:
TRPC5-related disorder. Also called: TRPC5-related condition.

gnomAD v4.1: 26 of 1,209,684 alleles (0.0021%); highest among the groups gnomAD compares: South Asian, 0.044%; no homozygotes.

Submission:

PreventionGenetics, part of Exact Sciences
Classification: Likely benign for TRPC5-related condition. Last evaluated: 2024-08-28. Review status: no assertion criteria provided. Collection method: clinical testing. Allele origin: germline.
Comment: This variant is classified as likely benign based on ACMG/AMP sequence variant interpretation guidelines (Richards et al. 2015 PMID: 25741868, with internal and published modifications).